The following is an entry in ClinVar:

ClinVar aggregate classification (germline): Benign/Likely benign. Review status: criteria provided, multiple submitters, no conflicts (2 of 4 stars). 3 submissions from 3 submitters: Benign (1); Likely benign (2). Last evaluated 2025-12-02.

Conditions:
Pontoneocerebellar hypoplasia. Also called: Pontocerebellar hypoplasia; Non-syndromic pontocerebellar hypoplasia. Identifiers: Orphanet 98523, MedGen C1261175, MONDO:0020135.

Allele frequency attached by ClinVar (database versions not stated): gnomAD 0.00032 and 0.00024; ExAC 0.00066; gnomAD exomes 0.00072; TOPMed 0.00072; 1000 Genomes Project 30x 0.00078; 1000 Genomes Project 0.00120.
gnomAD v4.1: 377 of 1,614,184 alleles (0.023%); highest among the groups gnomAD compares: East Asian, 0.77%; 1 homozygote.

Submissions (3):

Labcorp Genetics (formerly Invitae), Labcorp
Classification: Benign. Last evaluated: 2025-12-02. Review status: criteria provided, single submitter. Criteria: Invitae Variant Classification Sherloc (09022015). Collection method: clinical testing. Allele origin: germline.

GeneDx
Classification: Likely benign. Last evaluated: 2020-01-31. Review status: criteria provided, single submitter. Criteria: GeneDx Variant Classification Process June 2021. Collection method: clinical testing. Allele origin: germline. Affected: yes.

Illumina Laboratory Services, Illumina
Classification: Likely benign for Pontoneocerebellar hypoplasia. Last evaluated: 2018-01-13. Review status: criteria provided, single submitter. Criteria: ICSL Variant Classification Criteria 13 December 2019. Collection method: clinical testing. Allele origin: germline.
Comment: This variant was observed in the ICSL laboratory as part of a predisposition screen in an ostensibly healthy population. It had not been previously curated by ICSL or reported in the Human Gene Mutation Database (HGMD: prior to June 1st, 2018), and was therefore a candidate for classification through an automated scoring system. Utilizing variant allele frequency, disease prevalence and penetrance estimates, and inheritance mode, an automated score was calculated to assess if this variant is too frequent to cause the disease. Based on the score and internal cut-off values, a variant classified as likely benign is not then subjected to further curation. The score for this variant resulted in a classification of likely benign for this disease.

NM_001077446.4(TSEN34):c.314G>A (p.Arg105Gln)

Gene: TSEN34 (tRNA splicing endonuclease subunit 34; plus strand). Cytogenetic location: 19q13.42.
Variant type: single nucleotide variant.
Coding change: c.314G>A on transcript NM_001077446.4 (MANE Select); coding-DNA position 314, G replaced by A.
Protein change: p.Arg105Gln; replaces arginine 105 with glutamine.
Molecular consequence: missense variant.
Genome position (GRCh38, 1-based): chr19:54,191,791, G>A. VCF-style: chr19-54191791-G-A. GRCh37 (hg19) VCF-style: chr19-54695642-G-A.
Other names: c.314G>A, p.Arg105Gln (NM_001282332.2, NM_001282333.2, NM_001386740.1 and 1 more transcripts); short protein forms R105Q.
Identifiers: ClinVar variation 894713 (VCV000894713.14), dbSNP rs138586360, ClinGen allele CA309373764.